The following is an entry in ClinVar:

NM_000540.3(RYR1):c.6437C>T (p.Pro2146Leu)

Gene: RYR1 (ryanodine receptor 1; plus strand). Cytogenetic location: 19q13.2.
Variant type: single nucleotide variant.
Coding change: c.6437C>T on transcript NM_000540.3 (MANE Select); coding-DNA position 6437, C replaced by T.
Protein change: p.Pro2146Leu; replaces proline 2146 with leucine.
Molecular consequence: missense variant.
Genome position (GRCh38, 1-based): chr19:38,494,514, C>T. VCF-style: chr19-38494514-C-T. GRCh37 (hg19) VCF-style: chr19-38985154-C-T.
Other names: c.6437C>T, p.Pro2146Leu (NM_001042723.2); short protein forms P2146L.
Identifiers: ClinVar variation 2715099 (VCV002715099.6), dbSNP rs771914477, ClinGen allele CA308102313.

ClinVar aggregate classification (germline): Uncertain significance. Review status: criteria provided, multiple submitters, no conflicts (2 of 4 stars). 3 submissions from 3 submitters: Uncertain significance (3). Last evaluated 2025-06-17.

Conditions:
Malignant hyperthermia, susceptibility to, 1 (MHS1). Also called: Anesthesia related hyperthermia; Malignant hyperpyrexia; Fulminating hyperpyrexia; Pharmacogenic myopathy; Malignant hyperthermia suceptibility 1; RYR1-Related Malignant Hyperthermia Susceptibility. Identifiers: Orphanet 423, MedGen C2930980, MONDO:0007783, OMIM 145600.
RYR1-related disorder. Also called: RYR1-related condition; RYR1-related disorders. Identifiers: MedGen CN239331.

Allele frequency attached by ClinVar (database versions not stated): TOPMed below 0.00001; gnomAD exomes 0.00001.
gnomAD v4.1: 18 of 1,613,684 alleles (0.0011%); highest among the groups gnomAD compares: Middle Eastern, 0.017%; no homozygotes.

Submissions (3):

Labcorp Genetics (formerly Invitae), Labcorp
Classification: Uncertain significance for RYR1-related disorder. Last evaluated: 2025-06-17. Review status: criteria provided, single submitter. Criteria: Invitae Variant Classification Sherloc (09022015). Collection method: clinical testing. Allele origin: germline.
Comment: This sequence change replaces proline, which is neutral and non-polar, with leucine, which is neutral and non-polar, at codon 2146 of the RYR1 protein (p.Pro2146Leu). This variant is present in population databases (rs771914477, gnomAD 0.003%). This variant has not been reported in the literature in individuals affected with RYR1-related conditions. ClinVar contains an entry for this variant (Variation ID: 2715099). Invitae Evidence Modeling of protein sequence and biophysical properties (such as structural, functional, and spatial information, amino acid conservation, physicochemical variation, residue mobility, and thermodynamic stability) indicates that this missense variant is not expected to disrupt RYR1 protein function with a negative predictive value of 80%. In summary, the available evidence is currently insufficient to determine the role of this variant in disease. Therefore, it has been classified as a Variant of Uncertain Significance.

All of Us Research Program, National Institutes of Health
Classification: Uncertain significance for Malignant hyperthermia, susceptibility to, 1. Last evaluated: 2024-03-24. Review status: criteria provided, single submitter. Criteria: ACMG Guidelines, 2015. Collection method: clinical testing. Allele origin: germline. Inheritance: Autosomal dominant inheritance. Observed: 4 variant alleles, 3 heterozygotes, 1 homozygote.
Comment: This missense variant replaces proline with leucine at codon 2146 of the RYR1 protein. Computational prediction suggests that this variant may not impact protein structure and function (internally defined REVEL score threshold <= 0.5, PMID: 27666373). To our knowledge, functional studies have not been reported for this variant. This variant has not been reported in individuals affected with RYR1-related disorders in the literature. This variant has been identified in 1/250700 chromosomes in the general population by the Genome Aggregation Database (gnomAD). The available evidence is insufficient to determine the role of this variant in disease conclusively. Therefore, this variant is classified as a Variant of Uncertain Significance.

This study involves interpretation of variants in research participants for the purpose of population health screening. Participant phenotype was not available at the time of variant classification. Additional details can be found in publication PMID: 35346344, PMCID: PMC8962531

Color Diagnostics, LLC DBA Color Health
Classification: Uncertain significance for Malignant hyperthermia, susceptibility to, 1. Last evaluated: 2023-08-23. Review status: criteria provided, single submitter. Criteria: ACMG Guidelines, 2015. Collection method: clinical testing. Allele origin: germline.
Comment: This missense variant replaces proline with leucine at codon 2146 of the RYR1 protein. Computational prediction suggests that this variant may not impact protein structure and function. To our knowledge, functional studies have not been reported for this variant. This variant has not been reported in individuals affected with RYR1-related disorders in the literature. This variant has been identified in 1/250700 chromosomes in the general population by the Genome Aggregation Database (gnomAD). The available evidence is insufficient to determine the role of this variant in disease conclusively. Therefore, this variant is classified as a Variant of Uncertain Significance.